The following is an entry in ClinVar:

ClinVar aggregate classification (germline): Likely benign (1 of 4 stars; one submission).

Conditions:
Leukodystrophy, hypomyelinating, 7, with or without oligodontia and/or hypogonadotropic hypogonadism (HLD7). Also called: LEUKOENCEPHALOPATHY, HYPOMYELINATING, WITH ATAXIA AND DELAYED DENTITION; ATAXIA, DELAYED DENTITION, AND HYPOMYELINATION; LEUKODYSTROPHY, HYPOMYELINATING, 7, WITH OLIGODONTIA; LEUKODYSTROPHY, HYPOMYELINATING, 7, WITH OLIGODONTIA AND HYPOGONADOTROPIC HYPOGONADISM; LEUKODYSTROPHY, HYPOMYELINATING, 7, WITHOUT OLIGODONTIA OR HYPOGONADOTROPIC HYPOGONADISM; Ataxia, Delayed Dentition and Hypomyelination (ADDH). Identifiers: Orphanet 137639, Orphanet 447893, Orphanet 447896, Orphanet 77295, Orphanet 88637, MedGen CN034185, MONDO:0011897, OMIM 607694.

Allele frequency attached by ClinVar (database versions not stated): gnomAD 0.00057 and 0.00078; TOPMed 0.00073; 1000 Genomes Project 30x 0.00234; 1000 Genomes Project 0.00240.

Submission:

Illumina Laboratory Services, Illumina
Classification: Likely benign for Leukodystrophy, hypomyelinating, 7, with or without oligodontia and/or hypogonadotropic hypogonadism. Last evaluated: 2018-01-12. Review status: criteria provided, single submitter. Criteria: ICSL Variant Classification Criteria 13 December 2019. Collection method: clinical testing. Allele origin: germline.
Comment: This variant was observed in the ICSL laboratory as part of a predisposition screen in an ostensibly healthy population. It had not been previously curated by ICSL or reported in the Human Gene Mutation Database (HGMD: prior to June 1st, 2018), and was therefore a candidate for classification through an automated scoring system. Utilizing variant allele frequency, disease prevalence and penetrance estimates, and inheritance mode, an automated score was calculated to assess if this variant is too frequent to cause the disease. Based on the score and internal cut-off values, a variant classified as likely benign is not then subjected to further curation. The score for this variant resulted in a classification of likely benign for this disease.

NM_007055.4(POLR3A):c.*818G>A

Gene: POLR3A (RNA polymerase III subunit A; minus strand). Cytogenetic location: 10q22.3.
Variant type: single nucleotide variant.
Coding change: c.*818G>A on transcript NM_007055.4 (MANE Select); 818 bases downstream of the stop codon, G replaced by A.
Molecular consequence: 3 prime UTR variant.
Genome position (GRCh38, 1-based): chr10:77,976,660, C>T on the plus strand (G>A on the coding strand, the complement: POLR3A is on the minus strand). VCF-style: chr10-77976660-C-T. GRCh37 (hg19) VCF-style: chr10-79736418-C-T.
Identifiers: ClinVar variation 878262 (VCV000878262.4), dbSNP rs185309450, ClinGen allele CA210183505.